The following is an entry in ClinVar:

NM_182914.3(SYNE2):c.7875TGA[1] (p.Asp2626del)

Gene: SYNE2 (spectrin repeat containing nuclear envelope protein 2; plus strand). Cytogenetic location: 14q23.2.
Variant type: Microsatellite.
Coding change: c.7875TGA[1] on transcript NM_182914.3 (MANE Select); one copy of the 3-base unit TGA starting at c.7875; the reference has two copies in a row; one copy, 3 bases deleted.
Protein change: p.Asp2626del; deletes aspartic acid 2626.
Molecular consequence: inframe deletion.
Genome position (GRCh38, 1-based): chr14:64,051,791-64,051,793, TGA deleted; deleting any 3 consecutive bases within chr14:64,051,787-64,051,793 gives the same sequence; the position shown is the placement nearest the transcript's 3' end. VCF-style (leftmost placement, unchanged base first): chr14-64051786-TATG-T. GRCh37 (hg19) VCF-style: chr14-64518504-TATG-T.
Other names: c.7875TGA[1], p.Asp2626del (NM_015180.6); short protein forms D2626del.
Identifiers: ClinVar variation 2989622 (VCV002989622.3), dbSNP rs768690976, ClinGen allele CA7221032.

ClinVar aggregate classification (germline): Uncertain significance (1 of 4 stars; one submission).

Conditions:
Emery-Dreifuss muscular dystrophy 5, autosomal dominant (EDMD5). Also called: EMERY-DREIFUSS MUSCULAR DYSTROPHY 5. Identifiers: Orphanet 261, MedGen C2751805, MONDO:0013072, OMIM 612999.

Submission:

Labcorp Genetics (formerly Invitae), Labcorp
Classification: Uncertain significance for Emery-Dreifuss muscular dystrophy 5, autosomal dominant. Last evaluated: 2022-12-20. Review status: criteria provided, single submitter. Criteria: Invitae Variant Classification Sherloc (09022015). Collection method: clinical testing. Allele origin: germline.
Comment: In summary, the available evidence is currently insufficient to determine the role of this variant in disease. Therefore, it has been classified as a Variant of Uncertain Significance. Experimental studies and prediction algorithms are not available or were not evaluated, and the functional significance of this variant is currently unknown. This variant has not been reported in the literature in individuals affected with SYNE2-related conditions. This variant is present in population databases (rs768690976, gnomAD 0.007%). This variant, c.7878_7880del, results in the deletion of 1 amino acid(s) of the SYNE2 protein (p.Asp2626del), but otherwise preserves the integrity of the reading frame.